The following is an entry in ClinVar:

ClinVar aggregate classification (germline): Uncertain significance (1 of 4 stars; one submission).

Conditions:
Vitamin D-dependent rickets type II with alopecia (VDDR2A). Also called: GENERALIZED RESISTANCE TO 1,25-DIHYDROXYVITAMIN D; HYPOCALCEMIC VITAMIN D-RESISTANT RICKETS; PDDR IIA; PSEUDOVITAMIN D-DEFICIENCY, TYPE IIA; RICKETS, HEREDITARY VITAMIN D-RESISTANT; RICKETS-ALOPECIA SYNDROME. Identifiers: Orphanet 93160, MedGen C0342646, MONDO:0010186, OMIM 277440.

Allele frequency attached by ClinVar (database versions not stated): TOPMed below 0.00001.

Submission:

3billion
Classification: Uncertain significance for Vitamin D-dependent rickets type II with alopecia. Last evaluated: 2023-02-23. Review status: criteria provided, single submitter. Criteria: ACMG Guidelines, 2015. Collection method: clinical testing. Allele origin: unknown. Affected: yes.
Comment: The variant is not observed in the gnomAD v2.1.1 dataset. Missense changes are a common disease-causing mechanism. In silico tool predictions suggest damaging effect of the variant on gene or gene product (REVEL: 0.85; 3Cnet: 0.37). Therefore, this variant is classified as VUS according to the recommendation of ACMG/AMP guideline.

NM_000376.3(VDR):c.1204C>T (p.Arg402Cys)

Gene: VDR (vitamin D receptor; minus strand). Cytogenetic location: 12q13.11.
Variant type: single nucleotide variant.
Coding change: c.1204C>T on transcript NM_000376.3 (MANE Select); coding-DNA position 1204, C replaced by T.
Protein change: p.Arg402Cys; replaces arginine 402 with cysteine.
Molecular consequence: missense variant.
Genome position (GRCh38, 1-based): chr12:47,844,826, G>A on the plus strand (C>T on the coding strand, the complement: VDR is on the minus strand). VCF-style: chr12-47844826-G-A. GRCh37 (hg19) VCF-style: chr12-48238609-G-A.
Other names: c.1204C>T, p.Arg402Cys (NM_001017535.2, NM_001364085.2, NM_001374661.1 and 1 more transcripts); c.1354C>T, p.Arg452Cys (NM_001017536.2); short protein forms R402C, R452C.
Identifiers: ClinVar variation 2444136 (VCV002444136.1), dbSNP rs1945244160, ClinGen allele CA384513943.